The following is an entry in ClinVar:

ClinVar aggregate classification (germline): Pathogenic (1 of 4 stars; one submission).

Submission:

Labcorp Genetics (formerly Invitae), Labcorp
Classification: Pathogenic. Last evaluated: 2026-01-20. Review status: criteria provided, single submitter. Criteria: Invitae Variant Classification Sherloc (09022015). Collection method: clinical testing. Allele origin: germline.
Comment: This sequence change creates a premature translational stop signal (p.Trp355*) in the TGM1 gene. It is expected to result in an absent or disrupted protein product. Loss-of-function variants in TGM1 are known to be pathogenic (PMID: 18948357, 19241467). This variant is not present in population databases (gnomAD no frequency). This variant has not been reported in the literature in individuals affected with TGM1-related conditions. Algorithms developed to predict the effect of sequence changes on RNA splicing suggest that this variant may create or strengthen a splice site. For these reasons, this variant has been classified as Pathogenic.

Literature cited by the submitters: PubMed 18948357; PubMed 19241467.

NM_000359.3(TGM1):c.1065G>A (p.Trp355Ter)

Gene: TGM1 (transglutaminase 1; minus strand). Cytogenetic location: 14q12.
Variant type: single nucleotide variant.
Coding change: c.1065G>A on transcript NM_000359.3 (MANE Select); coding-DNA position 1065, G replaced by A.
Protein change: p.Trp355Ter; replaces tryptophan 355 with a stop codon.
Molecular consequence: nonsense.
Genome position (GRCh38, 1-based): chr14:24,259,169, C>T on the plus strand (G>A on the coding strand, the complement: TGM1 is on the minus strand). VCF-style: chr14-24259169-C-T. GRCh37 (hg19) VCF-style: chr14-24728375-C-T.
Other names: short protein forms W355*.
Identifiers: ClinVar variation 4775921 (VCV004775921.1).